The following is an entry in ClinVar:

ClinVar aggregate classification (germline): Pathogenic (1 of 4 stars; one submission).

Submission:

Quest Diagnostics Nichols Institute San Juan Capistrano
Classification: Pathogenic. Last evaluated: 2024-04-29. Review status: criteria provided, single submitter. Criteria: ACMG/ClinGen CNV Guidelines, 2019. Collection method: clinical testing. Allele origin: unknown.
Comment: This loss involves at least 70 protein-coding genes, including FZD4 (OMIM 604579). Haploinsufficiency of FZD4 is associated with autosomal dominant exudative vitreoretinopathy (OMIM 133780). Smaller deletions within 11q14.1q22.1 have been reported in individuals with various phenotypes (Firth 2009, Ho 2022, Huang 2021, Papoulidis 2015). There are no similar copy number losses of this region in the general populations of the Database of Genomic Variants. Thus, based on gene count and current medical literature, this copy number variant (CNV) is classified as pathogenic. References: Firth et al., Am J Hum Genet. 2009 Apr;84(4):524-33. PMID: 19344873; Ho et al. BMJ Case Rep. 2022 Nov 11;15(11):e253514. PMID: 36368740; Huang et al., Genes (Basel). 2021 Jun 27;12(7):980. PMID: 34199009; Papoulidis et al., Mol Cytogenet. 2015 Sep 17:8:71. PMID: 26388939

GRCh37/hg19 11q14.1-22.1(chr11:81041448-98151664)x1

Genes: AMOTL1 (angiomotin like 1; plus strand), ANKRD42 (ankyrin repeat domain 42; plus strand), ANKRD49 (ankyrin repeat domain 49; plus strand), C11orf54 (chromosome 11 open reading frame 54; plus strand), CCDC81 (coiled-coil domain containing 81; plus strand) and 64 more. Cytogenetic location: 11q14.1-22.1.
Variant type: copy number loss.
Change: copy number 1 (one copy instead of two) of chr11:81,041,448-98,151,664 (17.11 Mb, GRCh37 coordinates, 1-based), cytogenetic band 11q14.1-22.1.
Identifiers: ClinVar variation 3391915 (VCV003391915.1).